The following is an entry in ClinVar:

ClinVar aggregate classification (germline): Uncertain significance (1 of 4 stars; one submission).

Conditions:
Hereditary hemorrhagic telangiectasia (HHT). Also called: ORW DISEASE; Osler Weber Rendu syndrome; OSLER-RENDU-WEBER DISEASE; Osler hemorrhagic telangiectasia syndrome. Identifiers: Orphanet 774, MedGen C0039445, MONDO:0019180. Disease mechanism: loss of function.

Submission:

Labcorp Genetics (formerly Invitae), Labcorp
Classification: Uncertain significance for Hereditary hemorrhagic telangiectasia. Last evaluated: 2022-04-08. Review status: criteria provided, single submitter. Criteria: Invitae Variant Classification Sherloc (09022015). Collection method: clinical testing. Allele origin: germline.
Comment: This sequence change replaces glutamic acid, which is acidic and polar, with glycine, which is neutral and non-polar, at codon 137 of the ENG protein (p.Glu137Gly). This variant is not present in population databases (gnomAD no frequency). This variant has not been reported in the literature in individuals affected with ENG-related conditions. Advanced modeling of protein sequence and biophysical properties (such as structural, functional, and spatial information, amino acid conservation, physicochemical variation, residue mobility, and thermodynamic stability) performed at Invitae indicates that this missense variant is not expected to disrupt ENG protein function. In summary, the available evidence is currently insufficient to determine the role of this variant in disease. Therefore, it has been classified as a Variant of Uncertain Significance.

NM_001114753.3(ENG):c.410A>G (p.Glu137Gly)

Gene: ENG (endoglin; minus strand). Cytogenetic location: 9q34.11.
Variant type: single nucleotide variant.
Coding change: c.410A>G on transcript NM_001114753.3 (MANE Select); coding-DNA position 410, A replaced by G.
Protein change: p.Glu137Gly; replaces glutamic acid 137 with glycine.
Molecular consequence: missense variant. On other transcripts: 5 prime UTR variant (1).
Genome position (GRCh38, 1-based): chr9:127,826,623, T>C on the plus strand (A>G on the coding strand, the complement: ENG is on the minus strand). VCF-style: chr9-127826623-T-C. GRCh37 (hg19) VCF-style: chr9-130588902-T-C.
Other names: c.410A>G, p.Glu137Gly (NM_000118.4, NM_001406715.1); c.-137A>G (NM_001278138.2); short protein forms E137G.
Identifiers: ClinVar variation 2123118 (VCV002123118.4), dbSNP rs2539078016, ClinGen allele CA374984332.
Genomic context (GRCh38, chr9:127,826,623, plus strand): 5'-GTGATGGGGCCCCTCTCAGCTGCCCACTCAAGGATCTGGGTCTTGGGGAAGGATGGCAGC[T>C]CTGTGGTGTTGACCCCCGGGGGCTCTTGGAAGGTGACCAGGCTGGAATTCTGGGGAGACA-3'
Protein context (NP_001108225.1, residues 127-147): FQEPPGVNTT[Glu137Gly]LPSFPKTQIL